The following is an entry in ClinVar:

NM_000245.4(MET):c.1280T>C (p.Val427Ala)

Gene: MET (MET proto-oncogene, receptor tyrosine kinase; plus strand). Cytogenetic location: 7q31.2.
Variant type: single nucleotide variant.
Coding change: c.1280T>C on transcript NM_000245.4 (MANE Select); coding-DNA position 1280, T replaced by C.
Protein change: p.Val427Ala; replaces valine 427 with alanine.
Molecular consequence: missense variant. On other transcripts: 5 prime UTR variant (1).
Genome position (GRCh38, 1-based): chr7:116,731,747, T>C. VCF-style: chr7-116731747-T-C. GRCh37 (hg19) VCF-style: chr7-116371801-T-C.
Other names: c.1280T>C, p.Val427Ala (NM_001127500.3, NM_001324401.3); c.-11T>C (NM_001324402.2); short protein forms V427A.
Identifiers: ClinVar variation 572864 (VCV000572864.11), dbSNP rs773626056, ClinGen allele CA4448127.

ClinVar aggregate classification (germline): Uncertain significance. Review status: criteria provided, multiple submitters, no conflicts (2 of 4 stars). 2 submissions from 2 submitters: Uncertain significance (2). Last evaluated 2025-01-25.

Conditions:
Hereditary cancer-predisposing syndrome. Also called: Neoplastic Syndromes, Hereditary; Hereditary Cancer Syndrome; Tumor predisposition; Hereditary neoplastic syndrome. Identifiers: Orphanet 140162, MedGen C0027672, MeSH D009386, MONDO:0015356.
Renal cell carcinoma. Identifiers: Orphanet 217071, MedGen C0007134, MeSH D002292, MONDO:0005086, HP:0005584.

Allele frequency attached by ClinVar (database versions not stated): gnomAD exomes below 0.00001; ExAC 0.00001.
gnomAD v4.1: 1 of 1,614,148 alleles (0.000062%); highest among the groups gnomAD compares: Non-Finnish European, 0.000085%; no homozygotes.

Submissions (2):

Ambry Genetics
Classification: Uncertain significance for Hereditary cancer-predisposing syndrome. Last evaluated: 2025-01-25. Review status: criteria provided, single submitter. Criteria: Ambry Variant Classification Scheme 2023. Collection method: clinical testing. Allele origin: germline.
Comment: The p.V427A variant (also known as c.1280T>C), located in coding exon 2 of the MET gene, results from a T to C substitution at nucleotide position 1280. The valine at codon 427 is replaced by alanine, an amino acid with similar properties. This amino acid position is not well conserved in available vertebrate species. In addition, this alteration is predicted to be tolerated by in silico analysis. Based on the available evidence, the clinical significance of this variant remains unclear.

Labcorp Genetics (formerly Invitae), Labcorp
Classification: Uncertain significance for Renal cell carcinoma. Last evaluated: 2023-12-06. Review status: criteria provided, single submitter. Criteria: Invitae Variant Classification Sherloc (09022015). Collection method: clinical testing. Allele origin: germline.
Comment: This sequence change replaces valine, which is neutral and non-polar, with alanine, which is neutral and non-polar, at codon 427 of the MET protein (p.Val427Ala). This variant is present in population databases (rs773626056, gnomAD 0.0009%). This variant has not been reported in the literature in individuals affected with MET-related conditions. ClinVar contains an entry for this variant (Variation ID: 572864). Advanced modeling of protein sequence and biophysical properties (such as structural, functional, and spatial information, amino acid conservation, physicochemical variation, residue mobility, and thermodynamic stability) performed at Invitae indicates that this missense variant is not expected to disrupt MET protein function with a negative predictive value of 80%. In summary, the available evidence is currently insufficient to determine the role of this variant in disease. Therefore, it has been classified as a Variant of Uncertain Significance.